The following is an entry in ClinVar:

ClinVar aggregate classification (germline): Uncertain significance (1 of 4 stars; one submission).

Conditions:
Combined immunodeficiency due to LRBA deficiency. Also called: Common variable immunodeficiency 8, with autoimmunity. Identifiers: Orphanet 445018, MedGen C3553512, MONDO:0013863, OMIM 614700.

gnomAD v4.1: 1 of 1,613,648 alleles (0.000062%); highest among the groups gnomAD compares: Non-Finnish European, 0.000085%; no homozygotes.

Submission:

Labcorp Genetics (formerly Invitae), Labcorp
Classification: Uncertain significance for Combined immunodeficiency due to LRBA deficiency. Last evaluated: 2021-08-14. Review status: criteria provided, single submitter. Criteria: Invitae Variant Classification Sherloc (09022015). Collection method: clinical testing. Allele origin: germline.
Comment: This sequence change replaces valine with leucine at codon 544 of the LRBA protein (p.Val544Leu). The valine residue is moderately conserved and there is a small physicochemical difference between valine and leucine. This variant is not present in population databases (ExAC no frequency). This variant has not been reported in the literature in individuals affected with LRBA-related conditions. Algorithms developed to predict the effect of missense changes on protein structure and function are either unavailable or do not agree on the potential impact of this missense change (SIFT: "Tolerated"; PolyPhen-2: "Probably Damaging"; Align-GVGD: "Class C0"). In summary, the available evidence is currently insufficient to determine the role of this variant in disease. Therefore, it has been classified as a Variant of Uncertain Significance.

NM_001364905.1(LRBA):c.1630G>T (p.Val544Leu)

Gene: LRBA (LPS responsive beige-like anchor protein; minus strand). Cytogenetic location: 4q31.3.
Variant type: single nucleotide variant.
Coding change: c.1630G>T on transcript NM_001364905.1 (MANE Select); coding-DNA position 1630, G replaced by T.
Protein change: p.Val544Leu; replaces valine 544 with leucine.
Molecular consequence: missense variant.
Genome position (GRCh38, 1-based): chr4:150,905,963, C>A on the plus strand (G>T on the coding strand, the complement: LRBA is on the minus strand). VCF-style: chr4-150905963-C-A. GRCh37 (hg19) VCF-style: chr4-151827115-C-A.
Other names: c.1630G>T, p.Val544Leu (NM_001199282.3, NM_001367550.1, NM_006726.5); short protein forms V544L.
Identifiers: ClinVar variation 1368045 (VCV001368045.5), dbSNP rs745855343, ClinGen allele CA358431602.